The following is an entry in ClinVar:

ClinVar aggregate classification (germline): Benign (0 of 4 stars; one submission).

Conditions:
LRP1B-related disorder. Also called: LRP1B-related condition.

Allele frequency attached by ClinVar (database versions not stated): gnomAD exomes 0.00028; ExAC 0.00104; ESP Exome Variant Server 0.00308; gnomAD 0.00324; TOPMed 0.00363; 1000 Genomes Project 0.00399; 1000 Genomes Project 30x 0.00422.
gnomAD v4.1: 922 of 1,612,840 alleles (0.057%); highest among the groups gnomAD compares: African/African-American, 1.1%; 8 homozygotes.

Submission:

PreventionGenetics, part of Exact Sciences
Classification: Benign for LRP1B-related condition. Last evaluated: 2019-10-28. Review status: no assertion criteria provided. Collection method: clinical testing. Allele origin: germline.
Comment: This variant is classified as benign based on ACMG/AMP sequence variant interpretation guidelines (Richards et al. 2015 PMID: 25741868, with internal and published modifications).

NM_018557.3(LRP1B):c.927T>C (p.Val309=)

Gene: LRP1B (LDL receptor related protein 1B; minus strand). Cytogenetic location: 2q22.1.
Variant type: single nucleotide variant.
Coding change: c.927T>C on transcript NM_018557.3 (MANE Select); coding-DNA position 927, T replaced by C.
Protein change: p.Val309=; no amino-acid change (valine 309 retained).
Molecular consequence: synonymous variant.
Genome position (GRCh38, 1-based): chr2:141,188,507, A>G on the plus strand (T>C on the coding strand, the complement: LRP1B is on the minus strand). VCF-style: chr2-141188507-A-G. GRCh37 (hg19) VCF-style: chr2-141946076-A-G.
Identifiers: ClinVar variation 3034156 (VCV003034156.2), dbSNP rs141424207, ClinGen allele CA1896144.